The following is an entry in ClinVar:

NM_144670.6(A2ML1):c.4334C>A (p.Ala1445Glu)

Gene: A2ML1 (alpha-2-macroglobulin like 1; plus strand). Cytogenetic location: 12p13.31.
Variant type: single nucleotide variant.
Coding change: c.4334C>A on transcript NM_144670.6 (MANE Select); coding-DNA position 4334, C replaced by A.
Protein change: p.Ala1445Glu; replaces alanine 1445 with glutamic acid.
Molecular consequence: missense variant.
Genome position (GRCh38, 1-based): chr12:8,874,980, C>A. VCF-style: chr12-8874980-C-A. GRCh37 (hg19) VCF-style: chr12-9027576-C-A.
Other names: c.2861C>A, p.Ala954Glu (NM_001282424.3); c.4334C>A (NM_144670.3); short protein forms A954E, A1445E.
Identifiers: ClinVar variation 964882 (VCV000964882.11), dbSNP rs200447138, ClinGen allele CA232638013.

ClinVar aggregate classification (germline): Uncertain significance. Review status: criteria provided, multiple submitters, no conflicts (2 of 4 stars). 3 submissions from 3 submitters: Uncertain significance (3). Last evaluated 2025-10-22.

Conditions:
Otitis media, susceptibility to (OMS). Also called: COME/ROM; OTITIS MEDIA, CHRONIC/RECURRENT. Identifiers: MedGen C1833692, MONDO:0008162, OMIM 166760.

Allele frequency attached by ClinVar (database versions not stated): TOPMed below 0.00001; gnomAD 0.00001.
gnomAD v4.1: 10 of 1,613,932 alleles (0.00062%); highest among the groups gnomAD compares: Non-Finnish European, 0.00085%; no homozygotes.

Submissions (3):

Ambry Genetics
Classification: Uncertain significance. Last evaluated: 2025-10-22. Review status: criteria provided, single submitter. Criteria: Ambry Variant Classification Scheme 2023. Collection method: clinical testing. Allele origin: germline.

Labcorp Genetics (formerly Invitae), Labcorp
Classification: Uncertain significance. Last evaluated: 2025-06-19. Review status: criteria provided, single submitter. Criteria: Invitae Variant Classification Sherloc (09022015). Collection method: clinical testing. Allele origin: germline.
Comment: This sequence change replaces alanine, which is neutral and non-polar, with glutamic acid, which is acidic and polar, at codon 1445 of the A2ML1 protein (p.Ala1445Glu). This variant is present in population databases (rs200447138, gnomAD 0.004%). This variant has not been reported in the literature in individuals affected with A2ML1-related conditions. ClinVar contains an entry for this variant (Variation ID: 964882). An algorithm developed to predict the effect of missense changes on protein structure and function (PolyPhen-2) suggests that this variant is likely to be disruptive. In summary, the available evidence is currently insufficient to determine the role of this variant in disease. Therefore, it has been classified as a Variant of Uncertain Significance.

Fulgent Genetics
Classification: Uncertain significance for Otitis media, susceptibility to. Last evaluated: 2021-07-02. Review status: criteria provided, single submitter. Criteria: ACMG Guidelines, 2015. Collection method: clinical testing. Allele origin: unknown.